The following is an entry in ClinVar:

NM_001004356.3(FGFRL1):c.412G>A (p.Asp138Asn)

Gene: FGFRL1 (fibroblast growth factor receptor like 1; plus strand). Cytogenetic location: 4p16.3.
Variant type: single nucleotide variant.
Coding change: c.412G>A on transcript NM_001004356.3 (MANE Select); coding-DNA position 412, G replaced by A.
Protein change: p.Asp138Asn; replaces aspartic acid 138 with asparagine.
Molecular consequence: missense variant.
Genome position (GRCh38, 1-based): chr4:1,023,700, G>A. VCF-style: chr4-1023700-G-A. GRCh37 (hg19) VCF-style: chr4-1017488-G-A.
Other names: c.412G>A, p.Asp138Asn (NM_001004358.1, NM_001370296.1, NM_021923.3); short protein forms D138N.
Identifiers: ClinVar variation 1981357 (VCV001981357.4), dbSNP rs763233631, ClinGen allele CA2802699.

ClinVar aggregate classification (germline): Uncertain significance (1 of 4 stars; one submission).

Allele frequency attached by ClinVar (database versions not stated): gnomAD 0.00001; gnomAD exomes 0.00001; ExAC 0.00002; TOPMed 0.00002.
gnomAD v4.1: 8 of 1,568,208 alleles (0.00051%); highest among the groups gnomAD compares: Admixed American, 0.011%; no homozygotes.

Submission:

Labcorp Genetics (formerly Invitae), Labcorp
Classification: Uncertain significance. Last evaluated: 2023-09-14. Review status: criteria provided, single submitter. Criteria: Invitae Variant Classification Sherloc (09022015). Collection method: clinical testing. Allele origin: germline.
Comment: This variant has not been reported in the literature in individuals affected with FGFRL1-related conditions. This sequence change replaces aspartic acid, which is acidic and polar, with asparagine, which is neutral and polar, at codon 138 of the FGFRL1 protein (p.Asp138Asn). This variant is present in population databases (rs763233631, gnomAD 0.02%). ClinVar contains an entry for this variant (Variation ID: 1981357). An algorithm developed to predict the effect of missense changes on protein structure and function (PolyPhen-2) suggests that this variant is likely to be tolerated. In summary, the available evidence is currently insufficient to determine the role of this variant in disease. Therefore, it has been classified as a Variant of Uncertain Significance.